The following is an entry in ClinVar:

ClinVar aggregate classification (germline): Uncertain significance (1 of 4 stars; one submission).

Allele frequency attached by ClinVar (database versions not stated): gnomAD exomes below 0.00001; TOPMed below 0.00001.
gnomAD v4.1: 3 of 1,578,664 alleles (0.00019%); highest among the groups gnomAD compares: Non-Finnish European, 0.00026%; no homozygotes.

Submission:

Labcorp Genetics (formerly Invitae), Labcorp
Classification: Uncertain significance. Last evaluated: 2023-06-29. Review status: criteria provided, single submitter. Criteria: Invitae Variant Classification Sherloc (09022015). Collection method: clinical testing. Allele origin: germline.
Comment: In summary, the available evidence is currently insufficient to determine the role of this variant in disease. Therefore, it has been classified as a Variant of Uncertain Significance. An algorithm developed to predict the effect of missense changes on protein structure and function (PolyPhen-2) suggests that this variant is likely to be disruptive. ClinVar contains an entry for this variant (Variation ID: 1921739). This variant has not been reported in the literature in individuals affected with PDHX-related conditions. This variant is not present in population databases (gnomAD no frequency). This sequence change replaces proline, which is neutral and non-polar, with alanine, which is neutral and non-polar, at codon 56 of the PDHX protein (p.Pro56Ala).

NM_003477.3(PDHX):c.166C>G (p.Pro56Ala)

Gene: PDHX (pyruvate dehydrogenase complex component X; plus strand). Cytogenetic location: 11p13.
Variant type: single nucleotide variant.
Coding change: c.166C>G on transcript NM_003477.3 (MANE Select); coding-DNA position 166, C replaced by G.
Protein change: p.Pro56Ala; replaces proline 56 with alanine.
Molecular consequence: missense variant. On other transcripts: 5 prime UTR variant (1).
Genome position (GRCh38, 1-based): chr11:34,931,409, C>G. VCF-style: chr11-34931409-C-G. GRCh37 (hg19) VCF-style: chr11-34952956-C-G.
Other names: c.-15C>G (NM_001135024.2); c.166C>G, p.Pro56Ala (NM_001166158.2); short protein forms P56A.
Identifiers: ClinVar variation 1921739 (VCV001921739.5), dbSNP rs1854162351, ClinGen allele CA380126062.